The following is an entry in ClinVar:

NM_031220.4(PITPNM3):c.2257A>G (p.Ile753Val)

Gene: PITPNM3 (PITPNM family member 3; minus strand). Cytogenetic location: 17p13.2.
Variant type: single nucleotide variant.
Coding change: c.2257A>G on transcript NM_031220.4 (MANE Select); coding-DNA position 2257, A replaced by G.
Protein change: p.Ile753Val; replaces isoleucine 753 with valine.
Molecular consequence: missense variant.
Genome position (GRCh38, 1-based): chr17:6,463,781, T>C on the plus strand (A>G on the coding strand, the complement: PITPNM3 is on the minus strand). VCF-style: chr17-6463781-T-C. GRCh37 (hg19) VCF-style: chr17-6367101-T-C.
Other names: c.2257A>G (NM_031220.3); c.2149A>G, p.Ile717Val (NM_001165966.2); short protein forms I717V, I753V.
Identifiers: ClinVar variation 1519636 (VCV001519636.7), dbSNP rs757785828, ClinGen allele CA8329233.

ClinVar aggregate classification (germline): Uncertain significance. Review status: criteria provided, multiple submitters, no conflicts (2 of 4 stars). 2 submissions from 2 submitters: Uncertain significance (2). Last evaluated 2025-07-02.

Allele frequency attached by ClinVar (database versions not stated): gnomAD 0.00001; gnomAD exomes 0.00002 and 0.00007; TOPMed 0.00004; ExAC 0.00010.
gnomAD v4.1: 23 of 1,612,702 alleles (0.0014%); highest among the groups gnomAD compares: Admixed American, 0.027%; no homozygotes.

Submissions (2):

Labcorp Genetics (formerly Invitae), Labcorp
Classification: Uncertain significance. Last evaluated: 2025-07-02. Review status: criteria provided, single submitter. Criteria: Invitae Variant Classification Sherloc (09022015). Collection method: clinical testing. Allele origin: germline.
Comment: This sequence change replaces isoleucine, which is neutral and non-polar, with valine, which is neutral and non-polar, at codon 753 of the PITPNM3 protein (p.Ile753Val). This variant is present in population databases (rs757785828, gnomAD 0.03%), and has an allele count higher than expected for a pathogenic variant. This variant has not been reported in the literature in individuals affected with PITPNM3-related conditions. ClinVar contains an entry for this variant (Variation ID: 1519636). Invitae Evidence Modeling of protein sequence and biophysical properties (such as structural, functional, and spatial information, amino acid conservation, physicochemical variation, residue mobility, and thermodynamic stability) indicates that this missense variant is not expected to disrupt PITPNM3 protein function with a negative predictive value of 80%. In summary, the available evidence is currently insufficient to determine the role of this variant in disease. Therefore, it has been classified as a Variant of Uncertain Significance.

Ambry Genetics
Classification: Uncertain significance. Last evaluated: 2024-10-12. Review status: criteria provided, single submitter. Criteria: Ambry Variant Classification Scheme 2023. Collection method: clinical testing. Allele origin: germline.